The following is an entry in ClinVar:

ClinVar aggregate classification (germline): Uncertain significance (1 of 4 stars; one submission).

Conditions:
Lowe syndrome (OCRL). Also called: LOWE OCULOCEREBRORENAL SYNDROME; PHOSPHATIDYLINOSITOL 4,5-BISPHOSPHATE 5-PHOSPHATASE DEFICIENCY; Oculocerebrorenal Syndrome. Identifiers: Orphanet 534, MedGen C0028860, MONDO:0010645, OMIM 309000.

Allele frequency attached by ClinVar (database versions not stated): gnomAD exomes below 0.00001; TOPMed below 0.00001.
gnomAD v4.1: 1 of 1,211,842 alleles (0.000083%); highest among the groups gnomAD compares: Non-Finnish European, 0.00011%; no homozygotes.

Submission:

Labcorp Genetics (formerly Invitae), Labcorp
Classification: Uncertain significance for Lowe syndrome. Last evaluated: 2024-02-22. Review status: criteria provided, single submitter. Criteria: Invitae Variant Classification Sherloc (09022015). Collection method: clinical testing. Allele origin: germline.
Comment: This sequence change replaces histidine, which is basic and polar, with tyrosine, which is neutral and polar, at codon 174 of the OCRL protein (p.His174Tyr). This variant is not present in population databases (gnomAD no frequency). This variant has not been reported in the literature in individuals affected with OCRL-related conditions. Advanced modeling of protein sequence and biophysical properties (such as structural, functional, and spatial information, amino acid conservation, physicochemical variation, residue mobility, and thermodynamic stability) performed at Invitae indicates that this missense variant is not expected to disrupt OCRL protein function with a negative predictive value of 95%. In summary, the available evidence is currently insufficient to determine the role of this variant in disease. Therefore, it has been classified as a Variant of Uncertain Significance.

NM_000276.4(OCRL):c.520C>T (p.His174Tyr)

Gene: OCRL (OCRL inositol polyphosphate-5-phosphatase; plus strand). Cytogenetic location: Xq26.1.
Variant type: single nucleotide variant.
Coding change: c.520C>T on transcript NM_000276.4 (MANE Select); coding-DNA position 520, C replaced by T.
Protein change: p.His174Tyr; replaces histidine 174 with tyrosine.
Molecular consequence: missense variant.
Genome position (GRCh38, 1-based): chrX:129,558,713, C>T. VCF-style: chrX-129558713-C-T. GRCh37 (hg19) VCF-style: chrX-128692690-C-T.
Other names: c.523C>T, p.His175Tyr (NM_001318784.2); c.520C>T, p.His174Tyr (NM_001587.4); short protein forms H174Y, H175Y.
Identifiers: ClinVar variation 2790509 (VCV002790509.3), dbSNP rs763153789, ClinGen allele CA335084344.